The following is an entry in ClinVar:

NM_020937.4(FANCM):c.4591A>G (p.Asn1531Asp)

Gene: FANCM (FA complementation group M; plus strand). Cytogenetic location: 14q21.2.
Variant type: single nucleotide variant.
Coding change: c.4591A>G on transcript NM_020937.4 (MANE Select); coding-DNA position 4591, A replaced by G.
Protein change: p.Asn1531Asp; replaces asparagine 1531 with aspartic acid.
Molecular consequence: missense variant.
Genome position (GRCh38, 1-based): chr14:45,185,292, A>G. VCF-style: chr14-45185292-A-G. GRCh37 (hg19) VCF-style: chr14-45654495-A-G.
Other names: c.4513A>G, p.Asn1505Asp (NM_001308133.2); short protein forms N1505D, N1531D.
Identifiers: ClinVar variation 2079135 (VCV002079135.6), dbSNP rs2503228978, ClinGen allele CA389608230.
Genomic context (GRCh38, chr14:45,185,292, plus strand): 5'-TTTTTAGATGATGAAGCAGAACTTTCTGAAGAAGATGCAGAATATGTTTCATCAGATGAA[A>G]ATGATGAGTCAGAAAATGAACAAGATTCCTCATTACTTGACTTTTTAAATGATGAAACTC-3'
Protein context (NP_065988.1, residues 1521-1541): EDAEYVSSDE[Asn1531Asp]DESENEQDSS

ClinVar aggregate classification (germline): Uncertain significance. Review status: criteria provided, multiple submitters, no conflicts (2 of 4 stars). 3 submissions from 3 submitters: Uncertain significance (3). Last evaluated 2025-10-26.

Conditions:
Inborn genetic diseases. Identifiers: MedGen C0950123, MeSH D030342.
Fanconi anemia (FA). Also called: Fanconi's anemia. Identifiers: Orphanet 84, MedGen C0015625, MeSH D005199, MONDO:0019391.

Submissions (3):

Ambry Genetics
Classification: Uncertain significance for Inborn genetic diseases. Last evaluated: 2025-10-26. Review status: criteria provided, single submitter. Criteria: Ambry Variant Classification Scheme 2023. Collection method: clinical testing. Allele origin: germline.
Comment: The p.N1531D variant (also known as c.4591A>G), located in coding exon 18 of the FANCM gene, results from an A to G substitution at nucleotide position 4591. The asparagine at codon 1531 is replaced by aspartic acid, an amino acid with highly similar properties. This amino acid position is conserved. In addition, this alteration is predicted to be tolerated by in silico analysis. Based on the available evidence, the clinical significance of this variant remains unclear.

GeneDx
Classification: Uncertain significance. Last evaluated: 2024-10-08. Review status: criteria provided, single submitter. Criteria: GeneDx Variant Classification Process June 2021. Collection method: clinical testing. Allele origin: germline. Affected: yes.
Comment: Not observed at significant frequency in large population cohorts (gnomAD); In silico analysis indicates that this missense variant does not alter protein structure/function; Has not been previously published as pathogenic or benign to our knowledge

Labcorp Genetics (formerly Invitae), Labcorp
Classification: Uncertain significance for Fanconi anemia. Last evaluated: 2023-08-06. Review status: criteria provided, single submitter. Criteria: Invitae Variant Classification Sherloc (09022015). Collection method: clinical testing. Allele origin: germline.
Comment: This sequence change replaces asparagine, which is neutral and polar, with aspartic acid, which is acidic and polar, at codon 1531 of the FANCM protein (p.Asn1531Asp). This variant is not present in population databases (gnomAD no frequency). This variant has not been reported in the literature in individuals affected with FANCM-related conditions. ClinVar contains an entry for this variant (Variation ID: 2079135). Algorithms developed to predict the effect of missense changes on protein structure and function output the following: SIFT: "Not Available"; PolyPhen-2: "Benign"; Align-GVGD: "Not Available". The aspartic acid amino acid residue is found in multiple mammalian species, which suggests that this missense change does not adversely affect protein function. In summary, the available evidence is currently insufficient to determine the role of this variant in disease. Therefore, it has been classified as a Variant of Uncertain Significance.